The following is an entry in ClinVar:

NM_014000.3(VCL):c.1103A>T (p.Glu368Val)

Gene: VCL (vinculin; plus strand). Cytogenetic location: 10q22.2.
Variant type: single nucleotide variant.
Coding change: c.1103A>T on transcript NM_014000.3 (MANE Select); coding-DNA position 1103, A replaced by T.
Protein change: p.Glu368Val; replaces glutamic acid 368 with valine.
Molecular consequence: missense variant.
Genome position (GRCh38, 1-based): chr10:74,089,276, A>T. VCF-style: chr10-74089276-A-T. GRCh37 (hg19) VCF-style: chr10-75849034-A-T.
Other names: c.1103A>T, p.Glu368Val (NM_003373.4); short protein forms E368V.
Identifiers: ClinVar variation 1349626 (VCV001349626.8), dbSNP rs2131907690, ClinGen allele CA377272597.

ClinVar aggregate classification (germline): Uncertain significance (1 of 4 stars; one submission).

Conditions:
Dilated cardiomyopathy 1W (CMD1W). Identifiers: Orphanet 154, MedGen C1969639, MONDO:0012667, OMIM 611407.

Submission:

Labcorp Genetics (formerly Invitae), Labcorp
Classification: Uncertain significance for Dilated cardiomyopathy 1W. Last evaluated: 2022-08-16. Review status: criteria provided, single submitter. Criteria: Invitae Variant Classification Sherloc (09022015). Collection method: clinical testing. Allele origin: germline.
Comment: In summary, the available evidence is currently insufficient to determine the role of this variant in disease. Therefore, it has been classified as a Variant of Uncertain Significance. Algorithms developed to predict the effect of sequence changes on RNA splicing suggest that this variant may create or strengthen a splice site. Algorithms developed to predict the effect of missense changes on protein structure and function are either unavailable or do not agree on the potential impact of this missense change (SIFT: "Not Available"; PolyPhen-2: "Possibly Damaging"; Align-GVGD: "Not Available"). ClinVar contains an entry for this variant (Variation ID: 1349626). This variant has not been reported in the literature in individuals affected with VCL-related conditions. This variant is not present in population databases (gnomAD no frequency). This sequence change replaces glutamic acid, which is acidic and polar, with valine, which is neutral and non-polar, at codon 368 of the VCL protein (p.Glu368Val).